The following is an entry in ClinVar:

NM_001379403.1(WDR26):c.1458G>A (p.Pro486=)

Gene: WDR26 (WD repeat domain 26; minus strand). Cytogenetic location: 1q42.12.
Variant type: single nucleotide variant.
Coding change: c.1458G>A on transcript NM_001379403.1 (MANE Select); coding-DNA position 1458, G replaced by A.
Protein change: p.Pro486=; no amino-acid change (proline 486 retained).
Molecular consequence: synonymous variant.
Genome position (GRCh38, 1-based): chr1:224,411,427, C>T on the plus strand (G>A on the coding strand, the complement: WDR26 is on the minus strand). VCF-style: chr1-224411427-C-T. GRCh37 (hg19) VCF-style: chr1-224599129-C-T.
Other names: c.1110G>A, p.Pro370= (NM_001115113.3); c.1158G>A, p.Pro386= (NM_025160.7).
Identifiers: ClinVar variation 3236041 (VCV003236041.1), dbSNP rs144934464, ClinGen allele CA38731682.

ClinVar aggregate classification (germline): Uncertain significance (1 of 4 stars; one submission).

Conditions:
Skraban-Deardorff syndrome. Also called: INTELLECTUAL DISABILITY WITH SEIZURES, ABNORMAL GAIT, AND DISTINCTIVE FACIAL FEATURES; WDR26-Related Intellectual Disability. Identifiers: Orphanet 513456, MedGen C4539927, MONDO:0054636, OMIM 617616.

Allele frequency attached by ClinVar (database versions not stated): gnomAD exomes below 0.00001; TOPMed 0.00001; ESP Exome Variant Server 0.00008.
gnomAD v4.1: 2 of 1,607,386 alleles (0.00012%); highest among the groups gnomAD compares: Non-Finnish European, 0.00017%; no homozygotes.

Submission:

MVZ Medizinische Genetik Mainz
Classification: Uncertain significance for Skraban-Deardorff syndrome. Last evaluated: 2022-03-10. Review status: criteria provided, single submitter. Criteria: UK Practice Guidelines For Variant Classification V4 01 2020. Collection method: clinical testing. Allele origin: germline. Inheritance: Autosomal dominant inheritance. Affected: yes. Observed: 1 variant allele.
Comment: ACMG Criteria: PM2_SUP, PP3 (ACMG Version 3)